The following is an entry in ClinVar:

ClinVar aggregate classification (germline): Uncertain significance (1 of 4 stars; one submission).

Conditions:
Inborn genetic diseases. Identifiers: MedGen C0950123, MeSH D030342.

Allele frequency attached by ClinVar (database versions not stated): gnomAD exomes below 0.00001.
gnomAD v4.1: 1 of 1,613,082 alleles (0.000062%); highest among the groups gnomAD compares: Non-Finnish European, 0.000085%; no homozygotes.

Submission:

Ambry Genetics
Classification: Uncertain significance for Inborn genetic diseases. Last evaluated: 2022-11-04. Review status: criteria provided, single submitter. Criteria: Ambry Variant Classification Scheme 2023. Collection method: clinical testing. Allele origin: germline.
Comment: The p.S574F variant (also known as c.1721C>T), located in coding exon 14 of the BUB1B gene, results from a C to T substitution at nucleotide position 1721. The serine at codon 574 is replaced by phenylalanine, an amino acid with highly dissimilar properties. This amino acid position is conserved. In addition, this alteration is predicted to be tolerated by in silico analysis. Since supporting evidence is limited at this time, the clinical significance of this alteration remains unclear.

NM_001211.6(BUB1B):c.1721C>T (p.Ser574Phe)

Gene: BUB1B (BUB1 mitotic checkpoint serine/threonine kinase B; plus strand). Cytogenetic location: 15q15.1.
Variant type: single nucleotide variant.
Coding change: c.1721C>T on transcript NM_001211.6 (MANE Select); coding-DNA position 1721, C replaced by T.
Protein change: p.Ser574Phe; replaces serine 574 with phenylalanine.
Molecular consequence: missense variant.
Genome position (GRCh38, 1-based): chr15:40,202,681, C>T. VCF-style: chr15-40202681-C-T. GRCh37 (hg19) VCF-style: chr15-40494882-C-T.
Other names: short protein forms S574F.
Identifiers: ClinVar variation 2462577 (VCV002462577.2), dbSNP rs946655503, ClinGen allele CA268796566.